The following is an entry in ClinVar:

NM_012418.4(FSCN2):c.983T>C (p.Val328Ala)

Gene: FSCN2 (fascin actin-bundling protein 2, retinal; plus strand). Cytogenetic location: 17q25.3.
Variant type: single nucleotide variant.
Coding change: c.983T>C on transcript NM_012418.4 (MANE Select); coding-DNA position 983, T replaced by C.
Protein change: p.Val328Ala; replaces valine 328 with alanine.
Molecular consequence: missense variant.
Genome position (GRCh38, 1-based): chr17:81,535,208, T>C. VCF-style: chr17-81535208-T-C. GRCh37 (hg19) VCF-style: chr17-79502234-T-C.
Other names: c.983T>C, p.Val328Ala (NM_001077182.3); short protein forms V328A.
Identifiers: ClinVar variation 1494837 (VCV001494837.8), dbSNP rs1355016103, ClinGen allele CA401476096.

ClinVar aggregate classification (germline): Uncertain significance (1 of 4 stars; one submission).

Allele frequency attached by ClinVar (database versions not stated): gnomAD exomes 0.00001; TOPMed 0.00001.
gnomAD v4.1: 3 of 1,528,240 alleles (0.0002%); highest among the groups gnomAD compares: Admixed American, 0.004%; no homozygotes.

Submission:

Labcorp Genetics (formerly Invitae), Labcorp
Classification: Uncertain significance. Last evaluated: 2025-07-14. Review status: criteria provided, single submitter. Criteria: Invitae Variant Classification Sherloc (09022015). Collection method: clinical testing. Allele origin: germline.
Comment: This sequence change replaces valine, which is neutral and non-polar, with alanine, which is neutral and non-polar, at codon 328 of the FSCN2 protein (p.Val328Ala). This variant is present in population databases (no rsID available, gnomAD 0.009%). This variant has not been reported in the literature in individuals affected with FSCN2-related conditions. ClinVar contains an entry for this variant (Variation ID: 1494837). An algorithm developed to predict the effect of missense changes on protein structure and function (PolyPhen-2) suggests that this variant is likely to be tolerated. In summary, the available evidence is currently insufficient to determine the role of this variant in disease. Therefore, it has been classified as a Variant of Uncertain Significance.